The following is an entry in ClinVar:

NM_201596.3(CACNB2):c.1140T>C (p.His380=)

Gene: CACNB2 (calcium voltage-gated channel auxiliary subunit beta 2; plus strand). Cytogenetic location: 10p12.31.
Variant type: single nucleotide variant.
Coding change: c.1140T>C on transcript NM_201596.3 (MANE Select); coding-DNA position 1140, T replaced by C.
Protein change: p.His380=; no amino-acid change (histidine 380 retained).
Molecular consequence: synonymous variant.
Genome position (GRCh38, 1-based): chr10:18,534,161, T>C. VCF-style: chr10-18534161-T-C. GRCh37 (hg19) VCF-style: chr10-18823090-T-C.
Other names: c.975T>C, p.His325= (NM_000724.4); c.942T>C, p.His314= (NM_001167945.2); c.861T>C, p.His287= (NM_001330060.2); c.996T>C, p.His332= (NM_201570.3); c.1056T>C, p.His352= (NM_201571.4); c.984T>C, p.His328= (NM_201572.4); c.978T>C, p.His326= (NM_201590.3); c.1026T>C, p.His342= (NM_201593.3); and 1 more.
Identifiers: ClinVar variation 264300 (VCV000264300.19), dbSNP rs151199943, ClinGen allele CA5429919.
Genomic context (GRCh38, chr10:18,534,161, plus strand): 5'-GATTTTTGAACTTGCAAGAACATTGCAGTTGGTGGTCCTTGACGCGGATACAATTAATCA[T>C]CCAGCTCAACTCAGTAAAACCTCCTTGGCCCCTATTATAGTATATGTAAAGATTTCTTCT-3'
Protein context (NP_963890.2, residues 370-390): LVVLDADTIN[His380=]PAQLSKTSLA

ClinVar aggregate classification (germline): Benign/Likely benign. Review status: criteria provided, multiple submitters, no conflicts (2 of 4 stars). 5 submissions from 5 submitters: Benign (1); Likely benign (4). Last evaluated 2025-08-10.

Conditions:
Cardiovascular phenotype. Identifiers: MedGen CN230736.
Brugada syndrome 4 (BRGDA4). Identifiers: Orphanet 130, MedGen C2678477, MONDO:0012743, OMIM 611876.

Allele frequency attached by ClinVar (database versions not stated): gnomAD exomes 0.00002 and 0.00003; ExAC 0.00004; ESP Exome Variant Server 0.00008; gnomAD 0.00009 and 0.00010; TOPMed 0.00011; 1000 Genomes Project 30x 0.00031; 1000 Genomes Project 0.00040.
gnomAD v4.1: 73 of 1,613,868 alleles (0.0045%); highest among the groups gnomAD compares: Middle Eastern, 0.15%; no homozygotes.

Submissions (5):

Labcorp Genetics (formerly Invitae), Labcorp
Classification: Likely benign for Brugada syndrome 4. Last evaluated: 2025-08-10. Review status: criteria provided, single submitter. Criteria: Invitae Variant Classification Sherloc (09022015). Collection method: clinical testing. Allele origin: germline.

Blueprint Genetics
Classification: Likely benign. Last evaluated: 2024-10-23. Review status: criteria provided, single submitter. Criteria: ACMG Guidelines, 2015. Collection method: clinical testing. Allele origin: germline.

GeneDx
Classification: Likely benign. Last evaluated: 2019-08-22. Review status: criteria provided, single submitter. Criteria: GeneDx Variant Classification Process June 2021. Collection method: clinical testing. Allele origin: germline. Affected: yes.

Women's Health and Genetics/Laboratory Corporation of America, LabCorp
Classification: Benign. Last evaluated: 2016-05-02. Review status: criteria provided, single submitter. Criteria: LabCorp Variant Classification Summary - May 2015. Collection method: clinical testing. Allele origin: germline.
Comment: Variant summary: The c.978T>C variant affects a non-conserved nucleotide, resulting in a synonymous change. 4/5 splice-tools in Alamut predict that this variant does not affect normal splicing. ESE finder predicts changes of binding motifs for splicing enhancers. However, these predictions have not been validated via functional studies. This variant is found in 5/121384 control chromosomes at a frequency of 0.0000412, which is about 4 times of the maximal expected frequency of a pathogenic allele (0.00001), suggesting this variant is likely a benign polymorphism. The variant of interest has not, to our knowledge, been reported in affected individuals via publications and/or reputable databases/clinical laboratories; nor evaluated for functional impact by in vivo/vitro studies. Taken together, this variant was classified as benign.

Ambry Genetics
Classification: Likely benign for Cardiovascular phenotype. Last evaluated: 2015-10-23. Review status: criteria provided, single submitter. Criteria: Ambry Variant Classification Scheme 2023. Collection method: clinical testing. Allele origin: germline.